The following is an entry in ClinVar:

NM_001308210.2(TSHZ1):c.1231C>T (p.Arg411Cys)

Gene: TSHZ1 (teashirt zinc finger homeobox 1; plus strand). Cytogenetic location: 18q22.3.
Variant type: single nucleotide variant.
Coding change: c.1231C>T on transcript NM_001308210.2 (MANE Select); coding-DNA position 1231, C replaced by T.
Protein change: p.Arg411Cys; replaces arginine 411 with cysteine.
Molecular consequence: missense variant.
Genome position (GRCh38, 1-based): chr18:75,286,638, C>T. VCF-style: chr18-75286638-C-T. GRCh37 (hg19) VCF-style: chr18-72998593-C-T.
Other names: c.1096C>T, p.Arg366Cys (NM_005786.6); short protein forms R366C, R411C.
Identifiers: ClinVar variation 3353431 (VCV003353431.1).

ClinVar aggregate classification (germline): Likely benign (0 of 4 stars; one submission).

Conditions:
TSHZ1-related disorder. Also called: TSHZ1-related condition.

gnomAD v4.1: 122 of 1,614,232 alleles (0.0076%); highest among the groups gnomAD compares: Admixed American, 0.15%; no homozygotes.

Submission:

PreventionGenetics, part of Exact Sciences
Classification: Likely benign for TSHZ1-related condition. Last evaluated: 2024-08-11. Review status: no assertion criteria provided. Collection method: clinical testing. Allele origin: germline.
Comment: This variant is classified as likely benign based on ACMG/AMP sequence variant interpretation guidelines (Richards et al. 2015 PMID: 25741868, with internal and published modifications).